The following is an entry in ClinVar:

NM_032043.3(BRIP1):c.487C>A (p.Pro163Thr)

Gene: BRIP1 (BRCA1 interacting DNA helicase 1; minus strand). Cytogenetic location: 17q23.2.
Variant type: single nucleotide variant.
Coding change: c.487C>A on transcript NM_032043.3 (MANE Select); coding-DNA position 487, C replaced by A.
Protein change: p.Pro163Thr; replaces proline 163 with threonine.
Molecular consequence: missense variant.
Genome position (GRCh38, 1-based): chr17:61,849,149, G>T on the plus strand (C>A on the coding strand, the complement: BRIP1 is on the minus strand). VCF-style: chr17-61849149-G-T. GRCh37 (hg19) VCF-style: chr17-59926510-G-T.
Other names: short protein forms P163T.
Identifiers: ClinVar variation 3482463 (VCV003482463.1).

ClinVar aggregate classification (germline): Uncertain significance (1 of 4 stars; one submission).

Conditions:
Hereditary cancer-predisposing syndrome. Also called: Tumor predisposition; Neoplastic Syndromes, Hereditary; Hereditary Cancer Syndrome; Hereditary neoplastic syndrome. Identifiers: Orphanet 140162, MedGen C0027672, MeSH D009386, MONDO:0015356.

Submission:

Ambry Genetics
Classification: Uncertain significance for Hereditary cancer-predisposing syndrome. Last evaluated: 2024-10-18. Review status: criteria provided, single submitter. Criteria: Ambry Variant Classification Scheme 2023. Collection method: clinical testing. Allele origin: germline.
Comment: The p.P163T variant (also known as c.487C>A), located in coding exon 4 of the BRIP1 gene, results from a C to A substitution at nucleotide position 487. The proline at codon 163 is replaced by threonine, an amino acid with highly similar properties. This amino acid position is conserved. In addition, this alteration is predicted to be tolerated by in silico analysis. Based on the available evidence, the clinical significance of this variant remains unclear.